The following is an entry in ClinVar:

ClinVar aggregate classification (germline): Uncertain significance (1 of 4 stars; one submission).

Submission:

GeneDx
Classification: Uncertain significance. Last evaluated: 2023-06-28. Review status: criteria provided, single submitter. Criteria: GeneDx Variant Classification Process June 2021. Collection method: clinical testing. Allele origin: germline. Affected: yes.
Comment: Not observed at significant frequency in large population cohorts (gnomAD); In silico analysis supports that this missense variant does not alter protein structure/function; Has not been previously published as pathogenic or benign to our knowledge

NM_012309.5(SHANK2):c.3572C>A (p.Ala1191Glu)

Gene: SHANK2 (SH3 and multiple ankyrin repeat domains 2; minus strand). Cytogenetic location: 11q13.3.
Variant type: single nucleotide variant.
Coding change: c.3572C>A on transcript NM_012309.5 (MANE Select); coding-DNA position 3572, C replaced by A.
Protein change: p.Ala1191Glu; replaces alanine 1191 with glutamic acid.
Molecular consequence: missense variant.
Genome position (GRCh38, 1-based): chr11:70,486,721, G>T on the plus strand (C>A on the coding strand, the complement: SHANK2 is on the minus strand). VCF-style: chr11-70486721-G-T. GRCh37 (hg19) VCF-style: chr11-70332826-G-T.
Other names: c.2435C>A, p.Ala812Glu (NM_001379226.1); c.1808C>A, p.Ala603Glu (NM_133266.5); short protein forms A1191E, A603E, A812E.
Identifiers: ClinVar variation 3360363 (VCV003360363.1).